The following is an entry in ClinVar:

ClinVar aggregate classification (germline): Uncertain significance (1 of 4 stars; one submission).

Submission:

Labcorp Genetics (formerly Invitae), Labcorp
Classification: Uncertain significance. Last evaluated: 2022-03-04. Review status: criteria provided, single submitter. Criteria: Invitae Variant Classification Sherloc (09022015). Collection method: clinical testing. Allele origin: germline.
Comment: In summary, the available evidence is currently insufficient to determine the role of this variant in disease. Therefore, it has been classified as a Variant of Uncertain Significance. Experimental studies and prediction algorithms are not available or were not evaluated, and the functional significance of this variant is currently unknown. This variant has not been reported in the literature in individuals affected with ARID1B-related conditions. This variant results in a copy number gain of the genomic region encompassing exon(s) 5 of the ARID1B gene. While the exact position of this variant cannot be determined from the data, sub-genic copy number gains are generally in tandem (PMID: 25640679). This variant is predicted to be in-frame, and likely preserves the integrity of the reading frame.

Literature cited by the submitters: PubMed 25640679.

NC_000006.11:g.(?_157256580)_(157256730_?)dup

Gene: ARID1B (AT-rich interaction domain 1B; plus strand). Cytogenetic location: 6q25.3.
Variant type: Duplication.
Identifiers: ClinVar variation 1444841 (VCV001444841.5).